The following is an entry in ClinVar:

NM_004036.5(ADCY3):c.2071C>A (p.Leu691Ile)

Gene: ADCY3 (adenylate cyclase 3; minus strand). Cytogenetic location: 2p23.3.
Variant type: single nucleotide variant.
Coding change: c.2071C>A on transcript NM_004036.5 (MANE Select); coding-DNA position 2071, C replaced by A.
Protein change: p.Leu691Ile; replaces leucine 691 with isoleucine.
Molecular consequence: missense variant.
Genome position (GRCh38, 1-based): chr2:24,830,810, G>T on the plus strand (C>A on the coding strand, the complement: ADCY3 is on the minus strand). VCF-style: chr2-24830810-G-T. GRCh37 (hg19) VCF-style: chr2-25053679-G-T.
Other names: c.2071C>A, p.Leu691Ile (NM_001320613.2, NM_001377129.1, NM_001377130.1 and 1 more transcripts); c.2137C>A, p.Leu713Ile (NM_001377128.1); c.1348C>A, p.Leu450Ile (NM_001377131.1); short protein forms L450I, L691I, L713I.
Identifiers: ClinVar variation 3029489 (VCV003029489.2), dbSNP rs201250613, ClinGen allele CA43687688.

ClinVar aggregate classification (germline): Uncertain significance (0 of 4 stars; one submission).

Conditions:
ADCY3-related disorder. Also called: ADCY3-related condition.

Allele frequency attached by ClinVar (database versions not stated): gnomAD exomes 0.00001; TOPMed 0.00001; gnomAD 0.00002.
gnomAD v4.1: 10 of 1,613,854 alleles (0.00062%); highest among the groups gnomAD compares: Non-Finnish European, 0.00085%; no homozygotes.

Submission:

PreventionGenetics, part of Exact Sciences
Classification: Uncertain significance for ADCY3-related condition. Last evaluated: 2024-08-20. Review status: no assertion criteria provided. Collection method: clinical testing. Allele origin: germline.
Comment: The ADCY3 c.2071C>A variant is predicted to result in the amino acid substitution p.Leu691Ile. To our knowledge, this variant has not been reported in the literature. This variant is reported in 0.0065% of alleles in individuals of European (Non-Finnish) descent in gnomAD. At this time, the clinical significance of this variant is uncertain due to the absence of conclusive functional and genetic evidence.